The following is an entry in ClinVar:

ClinVar aggregate classification (germline): Uncertain significance (1 of 4 stars; one submission).

Submission:

CeGaT Center for Human Genetics Tuebingen
Classification: Uncertain significance. Last evaluated: 2026-06-01. Review status: criteria provided, single submitter. Criteria: CeGaT Center For Human Genetics Tuebingen Variant Classification Criteria Version 2. Collection method: clinical testing. Allele origin: germline. Affected: yes. Observed: 1 variant allele.
Comment: SERPINA1: PM2

NM_000295.5(SERPINA1):c.10T>G (p.Ser4Ala)

Gene: SERPINA1 (serpin family A member 1; minus strand). Cytogenetic location: 14q32.13.
Variant type: single nucleotide variant.
Coding change: c.10T>G on transcript NM_000295.5 (MANE Select); coding-DNA position 10, T replaced by G.
Protein change: p.Ser4Ala; replaces serine 4 with alanine.
Molecular consequence: missense variant.
Genome position (GRCh38, 1-based): chr14:94,383,228, A>C on the plus strand (T>G on the coding strand, the complement: SERPINA1 is on the minus strand). VCF-style: chr14-94383228-A-C. GRCh37 (hg19) VCF-style: chr14-94849565-A-C.
Other names: c.10T>G, p.Ser4Ala (NM_001002235.3, NM_001002236.3, NM_001127700.2 and 7 more transcripts); short protein forms S4A.
Identifiers: ClinVar variation 4875335 (VCV004875335.2).